The following is an entry in ClinVar:

NM_024529.5(CDC73):c.1054A>G (p.Asn352Asp)

Gene: CDC73 (cell division cycle 73; plus strand). Cytogenetic location: 1q31.2.
Variant type: single nucleotide variant.
Coding change: c.1054A>G on transcript NM_024529.5 (MANE Select); coding-DNA position 1054, A replaced by G.
Protein change: p.Asn352Asp; replaces asparagine 352 with aspartic acid.
Molecular consequence: missense variant.
Genome position (GRCh38, 1-based): chr1:193,212,088, A>G. VCF-style: chr1-193212088-A-G. GRCh37 (hg19) VCF-style: chr1-193181218-A-G.
Other names: short protein forms N352D.
Identifiers: ClinVar variation 1778041 (VCV001778041.7), dbSNP rs1677289702, ClinGen allele CA344077462.

ClinVar aggregate classification (germline): Uncertain significance. Review status: criteria provided, multiple submitters, no conflicts (2 of 4 stars). 2 submissions from 2 submitters: Uncertain significance (2). Last evaluated 2025-03-16.

Conditions:
Hereditary cancer-predisposing syndrome. Also called: Neoplastic Syndromes, Hereditary; Tumor predisposition; Hereditary Cancer Syndrome; Hereditary neoplastic syndrome. Identifiers: Orphanet 140162, MedGen C0027672, MeSH D009386, MONDO:0015356.
Parathyroid carcinoma (PRTC). Also called: CDC73-Related Parathyroid Carcinoma; Parathyroid gland carcinoma. Identifiers: Orphanet 143, MedGen C0687150, MONDO:0012004, OMIM 608266, HP:0006780.

Allele frequency attached by ClinVar (database versions not stated): gnomAD exomes below 0.00001; TOPMed below 0.00001; gnomAD 0.00001.
gnomAD v4.1: 2 of 1,584,422 alleles (0.00013%); highest among the groups gnomAD compares: Non-Finnish European, 0.00017%; no homozygotes.

Submissions (2):

Labcorp Genetics (formerly Invitae), Labcorp
Classification: Uncertain significance for Parathyroid carcinoma. Last evaluated: 2025-03-16. Review status: criteria provided, single submitter. Criteria: Invitae Variant Classification Sherloc (09022015). Collection method: clinical testing. Allele origin: germline.
Comment: This sequence change replaces asparagine, which is neutral and polar, with aspartic acid, which is acidic and polar, at codon 352 of the CDC73 protein (p.Asn352Asp). This variant is not present in population databases (gnomAD no frequency). This variant has not been reported in the literature in individuals affected with CDC73-related conditions. ClinVar contains an entry for this variant (Variation ID: 1778041). Invitae Evidence Modeling of protein sequence and biophysical properties (such as structural, functional, and spatial information, amino acid conservation, physicochemical variation, residue mobility, and thermodynamic stability) indicates that this missense variant is not expected to disrupt CDC73 protein function with a negative predictive value of 80%. In summary, the available evidence is currently insufficient to determine the role of this variant in disease. Therefore, it has been classified as a Variant of Uncertain Significance.

Ambry Genetics
Classification: Uncertain significance for Hereditary cancer-predisposing syndrome. Last evaluated: 2022-07-20. Review status: criteria provided, single submitter. Criteria: Ambry Variant Classification Scheme 2023. Collection method: clinical testing. Allele origin: germline.
Comment: The p.N352D variant (also known as c.1054A>G), located in coding exon 12 of the CDC73 gene, results from an A to G substitution at nucleotide position 1054. The asparagine at codon 352 is replaced by aspartic acid, an amino acid with highly similar properties. This amino acid position is conserved. In addition, this alteration is predicted to be tolerated by in silico analysis. Since supporting evidence is limited at this time, the clinical significance of this alteration remains unclear.